The following is an entry in ClinVar:

ClinVar aggregate classification (germline): Conflicting classifications of pathogenicity. Review status: criteria provided, conflicting classifications (1 of 4 stars). 6 submissions from 6 submitters: Uncertain significance (3); Benign (1); Likely benign (2). Last evaluated 2025-09-08.

Conditions:
Inborn genetic diseases. Identifiers: MedGen C0950123, MeSH D030342.
KMT2D-related disorder. Also called: KMT2D-Related Disorders.
Kabuki syndrome. Also called: Kabuki make-up syndrome; NIIKAWA-KUROKI SYNDROME. Identifiers: Orphanet 2322, MedGen C0796004, MONDO:0016512.
Kabuki syndrome 1 (KABUK1). Also called: KMT2D-Related Kabuki Syndrome. Identifiers: Orphanet 2322, MedGen CN030661, MONDO:0007843, OMIM 147920.

Allele frequency attached by ClinVar (database versions not stated): gnomAD exomes below 0.00001; ExAC 0.00001; TOPMed 0.00001; gnomAD 0.00002 and 0.00003.
gnomAD v4.1: 10 of 1,613,908 alleles (0.00062%); highest among the groups gnomAD compares: Admixed American, 0.005%; no homozygotes.

Submissions (6):

Labcorp Genetics (formerly Invitae), Labcorp
Classification: Benign for Kabuki syndrome. Last evaluated: 2025-09-08. Review status: criteria provided, single submitter. Criteria: Invitae Variant Classification Sherloc (09022015). Collection method: clinical testing. Allele origin: germline.

PreventionGenetics, part of Exact Sciences
Classification: Uncertain significance for KMT2D-related condition. Last evaluated: 2025-01-22. Review status: criteria provided, single submitter. Criteria: ACMG Guidelines, 2015. Collection method: clinical testing. Allele origin: germline.
Comment: The KMT2D c.15080G>A variant is predicted to result in the amino acid substitution p.Arg5027Gln. This variant has been observed in all three groups (individuals with Kabuki syndrome, individuals with somatic cancers and controls) of a large cohort study aiming to determine the clinical significance of germline and somatic KMT2D variants (reported with genomic position chr12: 49420669 in Table S3, Faundes et al 2019. PubMed ID: 30459467). To date, this variant has been reported in two out of ~280,574 alleles in gnomAD. At this time, the clinical significance of this variant is uncertain due to the absence of conclusive functional and genetic evidence.

Blueprint Genetics
Classification: Likely benign. Last evaluated: 2024-11-07. Review status: criteria provided, single submitter. Criteria: ACMG Guidelines, 2015. Collection method: clinical testing. Allele origin: germline.

Fulgent Genetics
Classification: Uncertain significance for Kabuki syndrome 1. Last evaluated: 2018-10-31. Review status: criteria provided, single submitter. Criteria: ACMG Guidelines, 2015. Collection method: clinical testing. Allele origin: unknown.

Genetic Services Laboratory, University of Chicago
Classification: Likely benign. Last evaluated: 2018-08-01. Review status: criteria provided, single submitter. Criteria: ACMG Guidelines, 2015. Collection method: clinical testing. Allele origin: germline. Affected: no.

Ambry Genetics
Classification: Uncertain significance for Inborn genetic diseases. Last evaluated: 2017-04-10. Review status: criteria provided, single submitter. Criteria: Ambry exome assertion method (8-5-2015). Collection method: clinical testing. Allele origin: germline. Affected: yes. Observed: 1 variant allele.

NM_003482.4(KMT2D):c.15080G>A (p.Arg5027Gln)

Gene: KMT2D (lysine methyltransferase 2D; minus strand). Cytogenetic location: 12q13.12.
Variant type: single nucleotide variant.
Coding change: c.15080G>A on transcript NM_003482.4 (MANE Select); coding-DNA position 15080, G replaced by A.
Protein change: p.Arg5027Gln; replaces arginine 5027 with glutamine.
Molecular consequence: missense variant.
Genome position (GRCh38, 1-based): chr12:49,026,886, C>T on the plus strand (G>A on the coding strand, the complement: KMT2D is on the minus strand). VCF-style: chr12-49026886-C-T. GRCh37 (hg19) VCF-style: chr12-49420669-C-T.
Other names: short protein forms R5027Q.
Identifiers: ClinVar variation 521617 (VCV000521617.19), dbSNP rs774403945, ClinGen allele CA6545604.